The following is an entry in ClinVar:

ClinVar aggregate classification (germline): Uncertain significance. Review status: criteria provided, multiple submitters, no conflicts (2 of 4 stars). 2 submissions from 2 submitters: Uncertain significance (2). Last evaluated 2025-08-24.

Conditions:
Hereditary cancer-predisposing syndrome. Also called: Neoplastic Syndromes, Hereditary; Hereditary neoplastic syndrome; Hereditary Cancer Syndrome; Tumor predisposition. Identifiers: Orphanet 140162, MedGen C0027672, MeSH D009386, MONDO:0015356.
Gastrointestinal stromal tumor. Also called: Gastrointestinal stromal tumor, somatic; Gastrointestinal stroma tumor. Identifiers: Orphanet 44890, MedGen C0238198, MeSH D046152, MONDO:0011719, OMIM 606764, HP:0100723.

Submissions (2):

Labcorp Genetics (formerly Invitae), Labcorp
Classification: Uncertain significance for Gastrointestinal stromal tumor. Last evaluated: 2025-08-24. Review status: criteria provided, single submitter. Criteria: Invitae Variant Classification Sherloc (09022015). Collection method: clinical testing. Allele origin: germline.
Comment: This sequence change replaces aspartic acid, which is acidic and polar, with histidine, which is basic and polar, at codon 142 of the PDGFRA protein (p.Asp142His). This variant is not present in population databases (gnomAD no frequency). This variant has not been reported in the literature in individuals affected with PDGFRA-related conditions. ClinVar contains an entry for this variant (Variation ID: 1910548). Invitae Evidence Modeling of protein sequence and biophysical properties (such as structural, functional, and spatial information, amino acid conservation, physicochemical variation, residue mobility, and thermodynamic stability) indicates that this missense variant is not expected to disrupt PDGFRA protein function with a negative predictive value of 80%. In summary, the available evidence is currently insufficient to determine the role of this variant in disease. Therefore, it has been classified as a Variant of Uncertain Significance.

Ambry Genetics
Classification: Uncertain significance for Hereditary cancer-predisposing syndrome. Last evaluated: 2023-08-11. Review status: criteria provided, single submitter. Criteria: Ambry Variant Classification Scheme 2023. Collection method: clinical testing. Allele origin: germline.
Comment: The p.D142H variant (also known as c.424G>C), located in coding exon 3 of the PDGFRA gene, results from a G to C substitution at nucleotide position 424. The aspartic acid at codon 142 is replaced by histidine, an amino acid with similar properties. This amino acid position is conserved. In addition, this alteration is predicted to be tolerated by in silico analysis. Since supporting evidence is limited at this time, the clinical significance of this alteration remains unclear.

NM_006206.6(PDGFRA):c.424G>C (p.Asp142His)

Gene: PDGFRA (platelet derived growth factor receptor alpha; plus strand). Cytogenetic location: 4q12.
Variant type: single nucleotide variant.
Coding change: c.424G>C on transcript NM_006206.6 (MANE Select); coding-DNA position 424, G replaced by C.
Protein change: p.Asp142His; replaces aspartic acid 142 with histidine.
Molecular consequence: missense variant.
Genome position (GRCh38, 1-based): chr4:54,263,723, G>C. VCF-style: chr4-54263723-G-C. GRCh37 (hg19) VCF-style: chr4-55129890-G-C.
Other names: c.424G>C, p.Asp142His (NM_001347827.2, NM_001347829.2); c.499G>C, p.Asp167His (NM_001347828.2); c.463G>C, p.Asp155His (NM_001347830.2); short protein forms D167H, D142H, D155H.
Identifiers: ClinVar variation 1910548 (VCV001910548.7), dbSNP rs1722875527, ClinGen allele CA356889784.